The following is an entry in ClinVar:

NM_000179.3(MSH6):c.172A>T (p.Arg58Trp)

Gene: MSH6 (mutS homolog 6; plus strand). Cytogenetic location: 2p16.3.
Variant type: single nucleotide variant.
Coding change: c.172A>T on transcript NM_000179.3 (MANE Select); coding-DNA position 172, A replaced by T.
Protein change: p.Arg58Trp; replaces arginine 58 with tryptophan.
Molecular consequence: missense variant. On other transcripts: 5 prime UTR variant (7), synonymous variant (1), non-coding transcript variant (5), intron variant (5).
Genome position (GRCh38, 1-based): chr2:47,783,405, A>T. VCF-style: chr2-47783405-A-T. GRCh37 (hg19) VCF-style: chr2-48010544-A-T.
Other names: c.172A>T, p.Arg58Trp (NM_001281492.2, NM_001406795.1, NM_001406796.1 and 9 more transcripts); c.-565A>T (NM_001281493.2, NM_001406811.1); c.-157A>T (NM_001406799.1); c.117A>T, p.Pro39= (NM_001406804.1); c.-757A>T (NM_001406807.1); c.-412A>T (NM_001406812.1); c.-823A>T (NM_001406814.1); c.-368A>T (NM_001406816.1); and 3 more; short protein forms R58W.
Identifiers: ClinVar variation 5024886 (VCV005024886.1).

ClinVar aggregate classification (germline): Uncertain significance (1 of 4 stars; one submission).

Conditions:
Hereditary cancer-predisposing syndrome. Also called: Neoplastic Syndromes, Hereditary; Tumor predisposition; Hereditary neoplastic syndrome; Hereditary Cancer Syndrome. Identifiers: Orphanet 140162, MedGen C0027672, MeSH D009386, MONDO:0015356.

Submission:

Ambry Genetics
Classification: Uncertain significance for Hereditary cancer-predisposing syndrome. Last evaluated: 2026-07-02. Review status: criteria provided, single submitter. Criteria: Ambry Variant Classification Scheme 2023. Collection method: clinical testing. Allele origin: germline.
Comment: The p.R58W variant (also known as c.172A>T), located in coding exon 1 of the MSH6 gene, results from an A to T substitution at nucleotide position 172. The arginine at codon 58 is replaced by tryptophan, an amino acid with dissimilar properties. This amino acid position is conserved. In addition, this alteration is predicted to be tolerated by in silico analysis. Based on the available evidence, the clinical significance of this variant remains unclear.